The following is an entry in ClinVar:

ClinVar aggregate classification (germline): Uncertain significance (1 of 4 stars; one submission).

Allele frequency attached by ClinVar (database versions not stated): gnomAD exomes 0.00001.
gnomAD v4.1: 7 of 1,284,572 alleles (0.00054%); highest among the groups gnomAD compares: Admixed American, 0.0017%; no homozygotes.

Submission:

Labcorp Genetics (formerly Invitae), Labcorp
Classification: Uncertain significance. Last evaluated: 2023-07-07. Review status: criteria provided, single submitter. Criteria: Invitae Variant Classification Sherloc (09022015). Collection method: clinical testing. Allele origin: germline.
Comment: This sequence change replaces isoleucine, which is neutral and non-polar, with threonine, which is neutral and polar, at codon 1710 of the CNOT1 protein (p.Ile1710Thr). This variant is present in population databases (no rsID available, gnomAD 0.003%). This variant has not been reported in the literature in individuals affected with CNOT1-related conditions. ClinVar contains an entry for this variant (Variation ID: 2100051). An algorithm developed to predict the effect of missense changes on protein structure and function (PolyPhen-2) suggests that this variant is likely to be tolerated. In summary, the available evidence is currently insufficient to determine the role of this variant in disease. Therefore, it has been classified as a Variant of Uncertain Significance.

NM_016284.5(CNOT1):c.5144T>C (p.Ile1715Thr)

Gene: CNOT1 (CCR4-NOT transcription complex subunit 1; minus strand). Cytogenetic location: 16q21.
Variant type: single nucleotide variant.
Coding change: c.5144T>C on transcript NM_016284.5 (MANE Select); coding-DNA position 5144, T replaced by C.
Protein change: p.Ile1715Thr; replaces isoleucine 1715 with threonine.
Molecular consequence: missense variant. On other transcripts: non-coding transcript variant (1).
Genome position (GRCh38, 1-based): chr16:58,538,258, A>G on the plus strand (T>C on the coding strand, the complement: CNOT1 is on the minus strand). VCF-style: chr16-58538258-A-G. GRCh37 (hg19) VCF-style: chr16-58572162-A-G.
Other names: c.5129T>C, p.Ile1710Thr (NM_001265612.2); short protein forms I1715T, I1710T.
Identifiers: ClinVar variation 2100051 (VCV002100051.4), dbSNP rs1424922054, ClinGen allele CA396166246.
Genomic context (GRCh38, chr16:58,538,258, plus strand): 5'-TGATTGCGAATTAGCAGCTCCACAGCCTCCACATTATATTTATATTCATCTCGACATTCA[A>G]TTAGGCACCTAGAAAAAGTTCAATATCTTTACTCATATAGGCTTAACCATACTGTAAAAG-3'
Protein context (NP_057368.3, residues 1705-1725): WCNKQITRCL[Ile1715Thr]ECRDEYKYNV